The following is an entry in ClinVar:

NM_002474.3(MYH11):c.2884G>C (p.Glu962Gln)

Gene: MYH11 (myosin heavy chain 11; minus strand). Cytogenetic location: 16p13.11.
Variant type: single nucleotide variant.
Coding change: c.2884G>C on transcript NM_002474.3 (MANE Select); coding-DNA position 2884, G replaced by C.
Protein change: p.Glu962Gln; replaces glutamic acid 962 with glutamine.
Molecular consequence: missense variant.
Genome position (GRCh38, 1-based): chr16:15,740,164, C>G on the plus strand (G>C on the coding strand, the complement: MYH11 is on the minus strand). VCF-style: chr16-15740164-C-G. GRCh37 (hg19) VCF-style: chr16-15834021-C-G.
Other names: c.2905G>C, p.Glu969Gln (NM_001040113.2, NM_001040114.2); c.2884G>C, p.Glu962Gln (NM_022844.3); short protein forms E962Q, E969Q.
Identifiers: ClinVar variation 4798360 (VCV004798360.1).

ClinVar aggregate classification (germline): Uncertain significance (1 of 4 stars; one submission).

Conditions:
Aortic aneurysm, familial thoracic 4 (AAT4). Also called: AORTIC ANEURYSM/AORTIC DISSECTION AND PATENT DUCTUS ARTERIOSUS. Identifiers: MedGen C1851504, MONDO:0007568, OMIM 132900.

Submission:

Labcorp Genetics (formerly Invitae), Labcorp
Classification: Uncertain significance for Aortic aneurysm, familial thoracic 4. Last evaluated: 2025-12-22. Review status: criteria provided, single submitter. Criteria: Invitae Variant Classification Sherloc (09022015). Collection method: clinical testing. Allele origin: germline.
Comment: This sequence change replaces glutamic acid, which is acidic and polar, with glutamine, which is neutral and polar, at codon 969 of the MYH11 protein (p.Glu969Gln). This variant is not present in population databases (gnomAD no frequency). This variant has not been reported in the literature in individuals affected with MYH11-related conditions. Invitae Evidence Modeling of protein sequence and biophysical properties (such as structural, functional, and spatial information, amino acid conservation, physicochemical variation, residue mobility, and thermodynamic stability) indicates that this missense variant is not expected to disrupt MYH11 protein function with a negative predictive value of 95%. In summary, the available evidence is currently insufficient to determine the role of this variant in disease. Therefore, it has been classified as a Variant of Uncertain Significance.